The following is an entry in ClinVar:

NM_000404.4(GLB1):c.645_648del (p.Val216fs)

Gene: GLB1 (galactosidase beta 1; minus strand). Cytogenetic location: 3p22.3.
Variant type: Deletion.
Coding change: c.645_648del on transcript NM_000404.4 (MANE Select); coding-DNA positions 645 to 648, 4 bases deleted (GGTT; older notation c.645_648delGGTT).
Protein change: p.Val216fs; shifts the reading frame from valine 216.
Molecular consequence: frameshift variant. On other transcripts: intron variant (1).
Genome position (GRCh38, 1-based): chr3:33,058,174-33,058,177, AACC deleted on the plus strand (GGTT on the coding strand, the reverse complement: GLB1 is on the minus strand); deleting any 4 consecutive bases within chr3:33,058,174-33,058,178 gives the same sequence; the c. name uses the placement nearest the transcript's 3' end. VCF-style (leftmost placement, unchanged base first): chr3-33058173-GAACC-G. GRCh37 (hg19) VCF-style: chr3-33099665-GAACC-G.
Other names: c.645_648delGGTT (NM_000404.3); c.555_558del, p.Val186fs (NM_001079811.3); c.789_792del, p.Val264fs (NM_001317040.2); c.645_648del, p.Val216fs (NM_001393580.1); c.341-4628_341-4625del (NM_001135602.3); short protein forms V186fs, V216fs, V264fs.
Identifiers: ClinVar variation 554283 (VCV000554283.3), dbSNP rs1553611040, ClinGen allele CA658821734.

ClinVar aggregate classification (germline): Likely pathogenic. Review status: criteria provided, single submitter (1 of 4 stars). 2 submissions from 2 submitters: Likely pathogenic (1). 1 of the submissions does not count toward it. Last evaluated 2024-02-23.

Conditions:
GM1 gangliosidosis type 3. Also called: GANGLIOSIDOSIS, GENERALIZED GM1, ADULT TYPE; GANGLIOSIDOSIS, GENERALIZED GM1, CHRONIC TYPE; GANGLIOSIDOSIS, GENERALIZED GM1, TYPE III; GM1-GANGLIOSIDOSIS, TYPE III; Beta-galactosidase deficiency; Adult GM1 gangliosidosis. Identifiers: Orphanet 79257, MedGen C0268273, MONDO:0009262, OMIM 230650.
GM1 gangliosidosis type 2. Also called: GANGLIOSIDOSIS, GENERALIZED GM1, JUVENILE TYPE; GANGLIOSIDOSIS, GENERALIZED GM1, TYPE II; GM1-GANGLIOSIDOSIS, TYPE II; Juvenile GM>1< gangliosidosis; Gangliosidosis, Generalized GM1, Type 2. Identifiers: Orphanet 354, Orphanet 79256, MedGen C0268272, MONDO:0009261, OMIM 230600.
Infantile GM1 gangliosidosis. Also called: GM1 gangliosidosis type 1; GM1-gangliosidosis, type I; Gangliosidosis, generalized GM1, infantile form; GLB1 deficiency; Gangliosidosis, Generalized GM1, Type 1. Identifiers: Orphanet 354, Orphanet 79255, MedGen C0268271, MONDO:0009260, OMIM 230500.
Mucopolysaccharidosis, MPS-IV-B (MPS4B). Also called: Mucopolysaccharidosis type 4B; Mucopolysaccharidosis Type IVB (Morquio B Disease); MORQUIO SYNDROME B; Mucopolysaccharidosis type IVB (Morquio); MPS IVB; Mucopolysaccharidosis type IV B. Identifiers: Orphanet 309310, Orphanet 582, MedGen C0086652, MONDO:0009660, OMIM 253010.

Submissions (2):

Natera, Inc.
Classification: Likely pathogenic for Mucopolysaccharidosis, MPS-IV-B. Last evaluated: 2024-02-23. Review status: criteria provided, single submitter. Criteria: Natera Variant Classification Schema (03/2026). Collection method: clinical testing. Allele origin: germline.
Comment: The c.645_648delGGTT variant in GLB1 is a frameshift variant predicted to shift the reading frame beginning at codon 216 and leads to a stop codon 12 codons downstream. This variant is expected to result in nonsense mediated decay, truncation, or a dysfunctional protein product. This variant is rare in the general population with a frequency below the threshold expected for the associated phenotype(s). Given the available evidence, this variant is classified as Likely Pathogenic.

Counsyl
Classification: Likely pathogenic for Infantile GM1 gangliosidosis; GM1 gangliosidosis type 2; GM1 gangliosidosis type 3; Mucopolysaccharidosis, MPS-IV-B. Last evaluated: 2017-10-13. Review status: no assertion criteria provided. Collection method: clinical testing. Allele origin: unknown. Not counted in ClinVar's aggregate classification.